The following is an entry in ClinVar:

NM_001379029.1(CERT1):c.1861C>T (p.Pro621Ser)

Gene: CERT1 (ceramide transporter 1; minus strand). Cytogenetic location: 5q13.3.
Variant type: single nucleotide variant.
Coding change: c.1861C>T on transcript NM_001379029.1 (MANE Select); coding-DNA position 1861, C replaced by T.
Protein change: p.Pro621Ser; replaces proline 621 with serine.
Molecular consequence: missense variant. On other transcripts: intron variant (1).
Genome position (GRCh38, 1-based): chr5:75,379,360, G>A on the plus strand (C>T on the coding strand, the complement: CERT1 is on the minus strand). VCF-style: chr5-75379360-G-A. GRCh37 (hg19) VCF-style: chr5-74675185-G-A.
Other names: c.2245C>T, p.Pro749Ser (NM_001130105.1); c.1861C>T, p.Pro621Ser (NM_001379002.1, NM_005713.3); c.1783C>T, p.Pro595Ser (NM_001379003.1, NM_031361.3); c.1669+1712C>T (NM_001379004.1); short protein forms P621S, P749S, P595S.
Identifiers: ClinVar variation 3143200 (VCV003143200.1), dbSNP rs2478878068, ClinGen allele CA360138284.

ClinVar aggregate classification (germline): Uncertain significance (1 of 4 stars; one submission).

Conditions:
Inborn genetic diseases. Identifiers: MedGen C0950123, MeSH D030342.

Submission:

Ambry Genetics
Classification: Uncertain significance for Inborn genetic diseases. Last evaluated: 2020-08-24. Review status: criteria provided, single submitter. Criteria: Ambry Variant Classification Scheme 2023. Collection method: clinical testing. Allele origin: germline.
Comment: The alteration results in an amino acid change:_x000D_ _x000D_ The c.2245C>T (p.P749S) alteration is located in coding exon 18 of the CERT1 gene. This alteration results from a C to T substitution at nucleotide position 2245, causing the proline (P) at amino acid position 749 to be replaced by a serine (S). The alteration is not observed in population databases:_x000D_ _x000D_ Based on data from the Genome Aggregation Database (gnomAD), the COL4A3BP c.2245C>T alteration was not observed, with coverage at this position. The altered amino acid is conserved throughout evolution:_x000D_ _x000D_ The p.P749 amino acid is conserved in available vertebrate species; however, serine (S) is the reference amino acid in a few species. The alteration is predicted tolerated by in silico modeling:_x000D_ _x000D_ The p.P749S alteration is predicted to be tolerated by in silico analysis. Based on insufficient or conflicting evidence, the clinical significance of this alteration remains unclear.